The following continues an entry in ClinVar:

NM_000051.4(ATM):c.6997dup

ClinVar aggregate classification (germline): Pathogenic. Pathogenic (1).

Submissions 11 to 19 of 19:

GeneDx
Classification: Pathogenic. Last evaluated: 2023-06-08. Review status: criteria provided, single submitter. Criteria: GeneDx Variant Classification Process June 2021. Collection method: clinical testing. Allele origin: germline. Affected: yes. Not counted in ClinVar's aggregate classification.
Comment: Frameshift variant predicted to result in protein truncation or nonsense mediated decay in a gene for which loss-of-function is a known mechanism of disease; Not observed at significant frequency in large population cohorts (gnomAD); Truncating variants in this gene are considered pathogenic by a well-established clinical consortium and/or database; Also known as 6996_6997insA; 6997_6998insA; This variant is associated with the following publications: (PMID: 25186627, 16832357, 15928302, 21787400, 23585368, 26845104, 9463314, 27153395, 28152038, 21459046, 10817650, 19781682, 29625052, 31921190, 30322717, 28888541, 32866655, 33436325, 29922827, 32471518, 35047863, 26896183, 33804961, 23807571, 25614872)

Revvity Omics, Revvity
Classification: Pathogenic for Ataxia-telangiectasia syndrome. Last evaluated: 2022-02-08. Review status: criteria provided, single submitter. Criteria: ACMG Guidelines, 2015. Collection method: clinical testing. Allele origin: germline. Not counted in ClinVar's aggregate classification.

Fulgent Genetics
Classification: Pathogenic for Familial cancer of breast; Ataxia-telangiectasia syndrome. Last evaluated: 2021-08-13. Review status: criteria provided, single submitter. Criteria: ACMG Guidelines, 2015. Collection method: clinical testing. Allele origin: unknown. Not counted in ClinVar's aggregate classification.

Athena Diagnostics
Classification: Pathogenic. Last evaluated: 2020-03-18. Review status: criteria provided, single submitter. Criteria: Athena Diagnostics Criteria. Collection method: clinical testing. Allele origin: unknown. Not counted in ClinVar's aggregate classification.
Comment: The variant results in a shift of the reading frame, and is therefore predicted to result in the loss of a functional protein. Found in at least one patient with expected phenotype for this gene, and found in general population data at a frequency that is consistent with pathogenicity.

Quest Diagnostics Nichols Institute San Juan Capistrano
Classification: Pathogenic. Last evaluated: 2020-03-18. Review status: criteria provided, single submitter. Criteria: Quest Diagnostics criteria. Collection method: clinical testing. Allele origin: unknown. Not counted in ClinVar's aggregate classification.
Comment: This frameshift variant alters the translational reading frame of the ATM mRNA and causes the premature termination of ATM protein synthesis. In the published literature, the variant has been reported in patients with ataxia-telangiectasia (PMIDs: 31921190 (2019), 15928302 (2005), 9463314 (1998)), and breast and/or ovarian cancer (PMIDs: 30322717 (2018), 27153395 (2016), 25186627 (2015), 21787400 (2011), 19781682 (2009)). Based on the available information, this variant is classified as pathogenic.

Department of Pathology and Laboratory Medicine, Sinai Health System
Classification: Pathogenic for Familial cancer of breast. Last evaluated: 2019-12-05. Review status: criteria provided, single submitter. Criteria: ACMG Guidelines, 2015. Collection method: clinical testing. Allele origin: germline. Affected: yes. Not counted in ClinVar's aggregate classification.

Women's Health and Genetics/Laboratory Corporation of America, LabCorp
Classification: Pathogenic for Ataxia-telangiectasia syndrome. Last evaluated: 2018-06-04. Review status: criteria provided, single submitter. Criteria: LabCorp Variant Classification Summary - May 2015. Collection method: clinical testing. Allele origin: germline. Not counted in ClinVar's aggregate classification.
Comment: Variant summary: ATM c.6997dupA (p.Thr2333AsnfsX40) results in a premature termination codon, predicted to cause a truncation of the encoded protein or absence of the protein due to nonsense mediated decay, which are commonly known mechanisms for disease. The variant allele was found at a frequency of 8.1e-06 in 245820 control chromosomes. c.6997dupA has been reported in the literature in individuals affected with Ataxia-Telangiectasia (Stankovic 1998, Li 2000, Exley 2011). These data indicate that the variant is likely to be associated with disease. At least one publication reports experimental evidence evaluating an impact on protein function, demonstrating the lack of ATM protein and ATM kinase activity in LCLs derived from a patient who had the variant of interest in compound heterozygosity with an other truncating ATM variant (Exley 2011). Six clinical diagnostic laboratories have submitted clinical-significance assessments for this variant to ClinVar after 2014 without evidence for independent evaluation. All laboratories classified the variant as pathogenic (5x) or likely pathogenic (1x). Based on the evidence outlined above, the variant was classified as pathogenic.

University of Washington Department of Laboratory Medicine, University of Washington
Classification: Pathogenic for Hereditary cancer-predisposing syndrome. Last evaluated: 2015-11-20. Review status: criteria provided, single submitter. Criteria: Shirts et al. (Genet Med 2016). Collection method: clinical testing. Allele origin: germline. Affected: yes. Observed: 1 variant allele. Not counted in ClinVar's aggregate classification.

Counsyl
Classification: Likely pathogenic for Ataxia-telangiectasia syndrome. Last evaluated: 2015-08-25. Review status: no assertion criteria provided. Collection method: clinical testing. Allele origin: unknown. Not counted in ClinVar's aggregate classification.

Literature cited by the submitters: PubMed 23807571 (cited by Labcorp Genetics (formerly Invitae), Labcorp); PubMed 25614872 (cited by Labcorp Genetics (formerly Invitae), Labcorp); PubMed 9463314 (cited by 8 submitters); PubMed 21787400 (cited by 5 submitters); PubMed 23585368 (cited by 4 submitters); PubMed 26845104 (cited by 5 submitters); PubMed 31921190 (cited by 4 submitters); PubMed 30322717 (cited by 5 submitters); PubMed 26896183 (cited by Natera, Inc. and Quest Diagnostics Nichols Institute San Juan Capistrano); PubMed 10817650 (cited by 7 submitters); PubMed 21459046 (cited by 4 submitters); PubMed 25186627 (cited by 4 submitters); PubMed 27153395 (cited by 3 submitters); PubMed 33436325 (cited by Ambry Genetics and Quest Diagnostics Nichols Institute San Juan Capistrano); PubMed 15928302 (cited by 3 submitters); PubMed 19781682 (cited by 3 submitters); PubMed 24763289 (cited by 3 submitters); PubMed 29625052 (cited by Quest Diagnostics Nichols Institute San Juan Capistrano).